The following is an entry in ClinVar:

NM_012330.4(KAT6B):c.5360C>T (p.Thr1787Met)

Gene: KAT6B (lysine acetyltransferase 6B; plus strand). Cytogenetic location: 10q22.2.
Variant type: single nucleotide variant.
Coding change: c.5360C>T on transcript NM_012330.4 (MANE Select); coding-DNA position 5360, C replaced by T.
Protein change: p.Thr1787Met; replaces threonine 1787 with methionine.
Molecular consequence: missense variant.
Genome position (GRCh38, 1-based): chr10:75,030,184, C>T. VCF-style: chr10-75030184-C-T. GRCh37 (hg19) VCF-style: chr10-76789942-C-T.
Other names: c.4811C>T, p.Thr1604Met (NM_001256468.2, NM_001370138.1); c.4484C>T, p.Thr1495Met (NM_001256469.2, NM_001370139.1, NM_001370140.1 and 2 more transcripts); c.4322C>T, p.Thr1441Met (NM_001370132.1); c.3671C>T, p.Thr1224Met (NM_001370133.1); c.3275C>T, p.Thr1092Met (NM_001370134.1); c.3017C>T, p.Thr1006Met (NM_001370135.1); c.5360C>T, p.Thr1787Met (NM_001370136.1, NM_001370137.1); c.4295C>T, p.Thr1432Met (NM_001370143.1, NM_001370144.1); short protein forms T1006M, T1092M, T1224M, T1432M, T1441M, T1495M, T1604M, T1787M.
Identifiers: ClinVar variation 1197906 (VCV001197906.7), dbSNP rs765731378, ClinGen allele CA5565184.

ClinVar aggregate classification (germline): Conflicting classifications of pathogenicity. Review status: criteria provided, conflicting classifications (1 of 4 stars). 2 submissions from 2 submitters: Uncertain significance (1); Likely benign (1). Last evaluated 2025-09-08.

Conditions:
Genitopatellar syndrome (GTPTS). Also called: Genitopatellar syndrome (GPS); ABSENT PATELLAE, SCROTAL HYPOPLASIA, RENAL ANOMALIES, FACIAL DYSMORPHISM, AND MENTAL RETARDATION. Identifiers: Orphanet 85201, MedGen C1853566, MONDO:0011640, OMIM 606170.

Allele frequency attached by ClinVar (database versions not stated): ExAC 0.00002; gnomAD 0.00002; gnomAD exomes 0.00003; TOPMed 0.00005.
gnomAD v4.1: 51 of 1,614,100 alleles (0.0032%); highest among the groups gnomAD compares: Admixed American, 0.012%; no homozygotes.

Submissions (2):

Labcorp Genetics (formerly Invitae), Labcorp
Classification: Uncertain significance for Genitopatellar syndrome. Last evaluated: 2025-09-08. Review status: criteria provided, single submitter. Criteria: Invitae Variant Classification Sherloc (09022015). Collection method: clinical testing. Allele origin: germline.
Comment: This sequence change replaces threonine, which is neutral and polar, with methionine, which is neutral and non-polar, at codon 1787 of the KAT6B protein (p.Thr1787Met). This variant is present in population databases (rs765731378, gnomAD 0.01%). This missense change has been observed in individual(s) with developmental delay (PMID: 33057194). ClinVar contains an entry for this variant (Variation ID: 1197906). An algorithm developed to predict the effect of missense changes on protein structure and function (PolyPhen-2) suggests that this variant is likely to be disruptive. In summary, the available evidence is currently insufficient to determine the role of this variant in disease. Therefore, it has been classified as a Variant of Uncertain Significance.

GeneDx
Classification: Likely benign. Last evaluated: 2020-01-14. Review status: criteria provided, single submitter. Criteria: GeneDx Variant Classification Process June 2021. Collection method: clinical testing. Allele origin: germline. Affected: yes.

Literature cited by the submitters: PubMed 33057194 (cited by Labcorp Genetics (formerly Invitae), Labcorp).